The following is an entry in ClinVar:

ClinVar aggregate classification (germline): Uncertain significance (1 of 4 stars; one submission).

Submission:

Women's Health and Genetics/Laboratory Corporation of America, LabCorp
Classification: Uncertain significance. Last evaluated: 2023-10-10. Review status: criteria provided, single submitter. Criteria: LabCorp Variant Classification Summary - May 2015. Collection method: clinical testing. Allele origin: germline.
Comment: Variant summary: PEX6 c.10_69del60 (p.Ala4_Leu23del) results in an in-frame deletion that is predicted to remove 20 amino acids from the encoded protein. The variant was absent in 144718 control chromosomes (gnomAD). The available data on variant occurrences in the general population are insufficient to allow any conclusion about variant significance. c.10_69del60 has been reported in the literature in an individual affected with Zellweger Syndrome in trans with a pathogenic truncating variant, although it was in cis with another truncating variant (Ebberink_2010). This report does not provide unequivocal conclusions about association of the variant with Zellweger Syndrome. To our knowledge, no experimental evidence demonstrating an impact on protein function has been reported. The following publication has been ascertained in the context of this evaluation (PMID: 19877282). No submitters have cited clinical-significance assessments for this variant to ClinVar after 2014. Based on the evidence outlined above, the variant was classified as uncertain significance.

Literature cited by the submitters: PubMed 19877282.

NM_000287.4(PEX6):c.10_69del (p.Ala4_Leu23del)

Gene: PEX6 (peroxisomal biogenesis factor 6; minus strand). Cytogenetic location: 6p21.1.
Variant type: Deletion.
Coding change: c.10_69del on transcript NM_000287.4 (MANE Select); coding-DNA positions 10 to 69, 60 bases deleted.
Protein change: p.Ala4_Leu23del.
Molecular consequence: inframe deletion. On other transcripts: non-coding transcript variant (1).
Genome position (GRCh38, 1-based): chr6:42,979,082-42,979,141, 60 bases deleted. GRCh37 (hg19): chr6:42,946,824-42,946,883.
Other names: c.10_69del60 (NM_000287.4); c.10_69del, p.Ala4_Leu23del (NM_001316313.2).
Identifiers: ClinVar variation 2637645 (VCV002637645.1), dbSNP rs1561831614, ClinGen allele CA567149892.